The following is an entry in ClinVar:

NM_001256317.3(TMPRSS3):c.1189C>T (p.Gln397Ter)

Gene: TMPRSS3 (transmembrane serine protease 3; minus strand). Cytogenetic location: 21q22.3.
Variant type: single nucleotide variant.
Coding change: c.1189C>T on transcript NM_001256317.3 (MANE Select); coding-DNA position 1189, C replaced by T.
Protein change: p.Gln397Ter; replaces glutamine 397 with a stop codon.
Molecular consequence: nonsense.
Genome position (GRCh38, 1-based): chr21:42,376,543, G>A on the plus strand (C>T on the coding strand, the complement: TMPRSS3 is on the minus strand). VCF-style: chr21-42376543-G-A. GRCh37 (hg19) VCF-style: chr21-43796652-G-A.
Other names: c.1192C>T, p.Gln398Ter (NM_024022.4); c.811C>T, p.Gln271Ter (NM_032404.3); short protein forms Q398*, Q397*, Q271*.
Identifiers: ClinVar variation 177740 (VCV000177740.6), dbSNP rs727504304, ClinGen allele CA273449.

ClinVar aggregate classification (germline): Pathogenic. Review status: criteria provided, multiple submitters, no conflicts (2 of 4 stars). 2 submissions from 2 submitters: Pathogenic (2). Last evaluated 2024-11-06.

Conditions:
Autosomal recessive nonsyndromic hearing loss 8 (DFNB8). Also called: NEUROSENSORY NONSYNDROMIC RECESSIVE DEAFNESS 8; Deafness, autosomal recessive 10. Identifiers: Orphanet 90636, MedGen C1832827, MONDO:0010987, OMIM 601072.
Rare genetic deafness. Identifiers: Orphanet 96210, MedGen C5680250.

Submissions (2):

Women's Health and Genetics/Laboratory Corporation of America, LabCorp
Classification: Pathogenic for Autosomal recessive nonsyndromic hearing loss 8. Last evaluated: 2024-11-06. Review status: criteria provided, single submitter. Criteria: LabCorp Variant Classification Summary - May 2015. Collection method: clinical testing. Allele origin: germline.
Comment: Variant summary: TMPRSS3 c.1192C>T (p.Gln398X) results in a premature termination codon, predicted to cause a truncation of the encoded protein or absence of the protein due to nonsense mediated decay, which are commonly known mechanisms for disease. The variant was absent in 250220 control chromosomes. c.1192C>T has been reported in the literature in multiple individuals affected with congenital Deafness, Autosomal Recessive (example: Wattenhofer_2005). These data indicate that the variant is very likely to be associated with disease. The following publication has been ascertained in the context of this evaluation (PMID: 16021470). ClinVar contains an entry for this variant (Variation ID: 177740). Based on the evidence outlined above, the variant was classified as pathogenic.

Laboratory for Molecular Medicine, Mass General Brigham Personalized Medicine
Classification: Pathogenic for Rare genetic deafness. Last evaluated: 2013-08-15. Review status: criteria provided, single submitter. Criteria: LMM Criteria. Collection method: clinical testing. Allele origin: germline. Inheritance: Autosomal recessive inheritance. Observed: 1 variant allele.
Comment: The Gln398X variant in TMPRSS3 has been previously reported in 1 homozygous indi vidual with SNHL, was found to segregate with disease in 2 affected homozygous r elatives, and has not been identified in large population studies. This nonsense variant leads to a premature termination codon at position 398, which is predic ted to lead to a truncated or absent protein. In summary, this variant meets our criteria to be classified as pathogenic.

Literature cited by the submitters: PubMed 16021470 (cited by Women's Health and Genetics/Laboratory Corporation of America, LabCorp and Laboratory for Molecular Medicine, Mass General Brigham Personalized Medicine).